The following is an entry in ClinVar:

NM_013382.7(POMT2):c.2182G>A (p.Val728Ile)

Gene: POMT2 (protein O-mannosyltransferase 2; minus strand). Cytogenetic location: 14q24.3.
Variant type: single nucleotide variant.
Coding change: c.2182G>A on transcript NM_013382.7 (MANE Select); coding-DNA position 2182, G replaced by A.
Protein change: p.Val728Ile; replaces valine 728 with isoleucine.
Molecular consequence: missense variant.
Genome position (GRCh38, 1-based): chr14:77,277,447, C>T on the plus strand (G>A on the coding strand, the complement: POMT2 is on the minus strand). VCF-style: chr14-77277447-C-T. GRCh37 (hg19) VCF-style: chr14-77743790-C-T.
Other names: short protein forms V728I.
Identifiers: ClinVar variation 574170 (VCV000574170.9), dbSNP rs1367401943, ClinGen allele CA390512672.

ClinVar aggregate classification (germline): Uncertain significance (1 of 4 stars; one submission).

Conditions:
Muscular dystrophy-dystroglycanopathy (congenital with impaired intellectual development), type B, 2. Also called: Muscular dystrophy-dystroglycanopathy (congenital with intellectual disability), type B2; MUSCULAR DYSTROPHY, CONGENITAL, POMT2-RELATED. Identifiers: MedGen C3150416, MONDO:0013160, OMIM 613156.
Autosomal recessive limb-girdle muscular dystrophy type 2N. Also called: Muscular dystrophy-dystroglycanopathy (limb-girdle), type C, 2; MUSCULAR DYSTROPHY-DYSTROGLYCANOPATHY, LIMB-GIRDLE, POMT2-RELATED. Identifiers: Orphanet 206559, MedGen C3150418, MONDO:0013162, OMIM 613158.
Muscular dystrophy-dystroglycanopathy (congenital with brain and eye anomalies), type A2. Also called: MUSCULAR DYSTROPHY-DYSTROGLYCANOPATHY (CONGENITAL WITH BRAIN AND EYE ANOMALIES), TYPE A, 2; WALKER-WARBURG SYNDROME OR MUSCLE-EYE-BRAIN DISEASE, POMT2-RELATED. Identifiers: Orphanet 588, Orphanet 899, MedGen C3150411, MONDO:0013154, OMIM 613150.

Submission:

Labcorp Genetics (formerly Invitae), Labcorp
Classification: Uncertain significance for Muscular dystrophy-dystroglycanopathy (congenital with impaired intellectual development), type B, 2; Muscular dystrophy-dystroglycanopathy (congenital with brain and eye anomalies), type A2; Autosomal recessive limb-girdle muscular dystrophy type 2N. Last evaluated: 2018-05-30. Review status: criteria provided, single submitter. Criteria: Invitae Variant Classification Sherloc (09022015). Collection method: clinical testing. Allele origin: germline.
Comment: In summary, the available evidence is currently insufficient to determine the role of this variant in disease. Therefore, it has been classified as a Variant of Uncertain Significance. Algorithms developed to predict the effect of missense changes on protein structure and function output the following: SIFT: "Tolerated"; PolyPhen-2: "Benign"; Align-GVGD: "Class C0". The isoleucine amino acid residue is found in multiple mammalian species, suggesting that this missense change does not adversely affect protein function. These predictions have not been confirmed by published functional studies and their clinical significance is uncertain. This variant has not been reported in the literature in individuals with POMT2-related disease. This variant is not present in population databases (ExAC no frequency). This sequence change replaces valine with isoleucine at codon 728 of the POMT2 protein (p.Val728Ile). The valine residue is moderately conserved and there is a small physicochemical difference between valine and isoleucine.